The following is an entry in ClinVar:

NM_024757.5(EHMT1):c.3275C>G (p.Pro1092Arg)

Gene: EHMT1 (euchromatic histone lysine methyltransferase 1; plus strand). Cytogenetic location: 9q34.3.
Variant type: single nucleotide variant.
Coding change: c.3275C>G on transcript NM_024757.5 (MANE Select); coding-DNA position 3275, C replaced by G.
Protein change: p.Pro1092Arg; replaces proline 1092 with arginine.
Molecular consequence: missense variant.
Genome position (GRCh38, 1-based): chr9:137,815,963, C>G. VCF-style: chr9-137815963-C-G. GRCh37 (hg19) VCF-style: chr9-140710415-C-G.
Other names: c.3254C>G, p.Pro1085Arg (NM_001354263.2); c.3275C>G (NM_024757.4); short protein forms P1092R, P1085R.
Identifiers: ClinVar variation 2766835 (VCV002766835.4), dbSNP rs2538718838, ClinGen allele CA375796165.

ClinVar aggregate classification (germline): Uncertain significance. Review status: criteria provided, multiple submitters, no conflicts (2 of 4 stars). 2 submissions from 2 submitters: Uncertain significance (2). Last evaluated 2025-06-18.

Conditions:
Kleefstra syndrome 1 (KLEFS1). Identifiers: Orphanet 261494, MedGen C0795833, MONDO:0027407, OMIM 610253.
Inborn genetic diseases. Identifiers: MedGen C0950123, MeSH D030342.

Submissions (2):

Ambry Genetics
Classification: Uncertain significance for Inborn genetic diseases. Last evaluated: 2025-06-18. Review status: criteria provided, single submitter. Criteria: Ambry Variant Classification Scheme 2023. Collection method: clinical testing. Allele origin: germline.

Labcorp Genetics (formerly Invitae), Labcorp
Classification: Uncertain significance for Kleefstra syndrome 1. Last evaluated: 2023-10-08. Review status: criteria provided, single submitter. Criteria: Invitae Variant Classification Sherloc (09022015). Collection method: clinical testing. Allele origin: germline.
Comment: This sequence change replaces proline, which is neutral and non-polar, with arginine, which is basic and polar, at codon 1092 of the EHMT1 protein (p.Pro1092Arg). This variant is not present in population databases (gnomAD no frequency). This variant has not been reported in the literature in individuals affected with EHMT1-related conditions. Advanced modeling of protein sequence and biophysical properties (such as structural, functional, and spatial information, amino acid conservation, physicochemical variation, residue mobility, and thermodynamic stability) performed at Invitae indicates that this missense variant is not expected to disrupt EHMT1 protein function. In summary, the available evidence is currently insufficient to determine the role of this variant in disease. Therefore, it has been classified as a Variant of Uncertain Significance.